The following is an entry in ClinVar:

ClinVar aggregate classification (germline): Uncertain significance (1 of 4 stars; one submission).

Conditions:
Early-infantile DEE. Also called: Ohtahara syndrome; Early infantile epileptic encephalopathy; Early infantile epileptic encephalopathy with suppression bursts. Identifiers: Orphanet 1934, MedGen C0393706, MONDO:0800491.

Allele frequency attached by ClinVar (database versions not stated): ExAC 0.00001; gnomAD exomes 0.00001 and 0.00002; TOPMed 0.00001; gnomAD 0.00003.
gnomAD v4.1: 12 of 1,613,970 alleles (0.00074%); highest among the groups gnomAD compares: African/African-American, 0.0013%; no homozygotes.

Submission:

Labcorp Genetics (formerly Invitae), Labcorp
Classification: Uncertain significance for Early-infantile DEE. Last evaluated: 2023-07-10. Review status: criteria provided, single submitter. Criteria: Invitae Variant Classification Sherloc (09022015). Collection method: clinical testing. Allele origin: germline.
Comment: In summary, the available evidence is currently insufficient to determine the role of this variant in disease. Therefore, it has been classified as a Variant of Uncertain Significance. Advanced modeling of protein sequence and biophysical properties (such as structural, functional, and spatial information, amino acid conservation, physicochemical variation, residue mobility, and thermodynamic stability) has been performed at Invitae for this missense variant, however the output from this modeling did not meet the statistical confidence thresholds required to predict the impact of this variant on SPTAN1 protein function. ClinVar contains an entry for this variant (Variation ID: 1490695). This variant has not been reported in the literature in individuals affected with SPTAN1-related conditions. This variant is present in population databases (rs749263783, gnomAD 0.01%). This sequence change replaces threonine, which is neutral and polar, with methionine, which is neutral and non-polar, at codon 798 of the SPTAN1 protein (p.Thr798Met).

NM_001130438.3(SPTAN1):c.2393C>T (p.Thr798Met)

Gene: SPTAN1 (spectrin alpha, non-erythrocytic 1; plus strand). Cytogenetic location: 9q34.11.
Variant type: single nucleotide variant.
Coding change: c.2393C>T on transcript NM_001130438.3 (MANE Select); coding-DNA position 2393, C replaced by T.
Protein change: p.Thr798Met; replaces threonine 798 with methionine.
Molecular consequence: missense variant.
Genome position (GRCh38, 1-based): chr9:128,584,481, C>T. VCF-style: chr9-128584481-C-T. GRCh37 (hg19) VCF-style: chr9-131346760-C-T.
Other names: c.2393C>T, p.Thr798Met (NM_001195532.2, NM_001363759.2, NM_001363765.2 and 5 more transcripts); c.2429C>T, p.Thr810Met (NM_001375312.2, NM_001375318.1); short protein forms T798M, T810M.
Identifiers: ClinVar variation 1490695 (VCV001490695.7), dbSNP rs749263783, ClinGen allele CA5264624.